The following is an entry in ClinVar:

NM_000540.3(RYR1):c.345G>A (p.Met115Ile)

Gene: RYR1 (ryanodine receptor 1; plus strand). Cytogenetic location: 19q13.2.
Variant type: single nucleotide variant.
Coding change: c.345G>A on transcript NM_000540.3 (MANE Select); coding-DNA position 345, G replaced by A.
Protein change: p.Met115Ile; replaces methionine 115 with isoleucine.
Molecular consequence: missense variant.
Genome position (GRCh38, 1-based): chr19:38,443,632, G>A. VCF-style: chr19-38443632-G-A. GRCh37 (hg19) VCF-style: chr19-38934272-G-A.
Other names: c.345G>A, p.Met115Ile (NM_001042723.2); short protein forms M115I.
Identifiers: ClinVar variation 3233276 (VCV003233276.2), dbSNP rs2513971656.
Genomic context (GRCh38, chr19:38,443,632, plus strand): 5'-GGGACACAGGACGCTCCTGTATGGCCATGCCATCCTGCTCCGGCATGCACACAGCCGCAT[G>A]GTGAGTGCAACCTCGGTGGGCGTGGGCAGGGGCCAGGGCATGTGGGGCCTGCTAGAAGGA-3'
Protein context (NP_000531.2, residues 105-125): AILLRHAHSR[Met115Ile]YLSCLTTSRS

ClinVar aggregate classification (germline): Likely pathogenic (1 of 4 stars; one submission).

Conditions:
RYR1-related myopathy. Identifiers: Orphanet 98742, MedGen CN305348, MONDO:0100150.

Submission:

Muscle and Diseases Team, Institut de Génétique et Biologie Moléculaire et Cellulaire
Classification: Likely pathogenic for RYR1-related myopathy. Last evaluated: 2024-03-01. Review status: criteria provided, single submitter. Criteria: ACMG Guidelines, 2015. Collection method: research. Allele origin: unknown. Affected: yes. Observed: 1 variant allele.
Comment: PM2+PM3+PP2+PP3

Literature cited by the submitters: DOI 10.1186/s13073-024-01353-0.